The following is an entry in ClinVar:

ClinVar aggregate classification (germline): Uncertain significance. Review status: criteria provided, multiple submitters, no conflicts (2 of 4 stars). 2 submissions from 2 submitters: Uncertain significance (2). Last evaluated 2024-12-27.

Conditions:
Early-infantile DEE. Also called: Ohtahara syndrome; Early infantile epileptic encephalopathy with suppression bursts; Early infantile epileptic encephalopathy. Identifiers: Orphanet 1934, MedGen C0393706, MONDO:0800491.

Allele frequency attached by ClinVar (database versions not stated): TOPMed below 0.00001.
gnomAD v4.1: 2 of 1,610,540 alleles (0.00012%); highest among the groups gnomAD compares: South Asian, 0.0011%; no homozygotes.

Submissions (2):

Labcorp Genetics (formerly Invitae), Labcorp
Classification: Uncertain significance for Early-infantile DEE. Last evaluated: 2024-12-27. Review status: criteria provided, single submitter. Criteria: Invitae Variant Classification Sherloc (09022015). Collection method: clinical testing. Allele origin: germline.
Comment: This sequence change falls in intron 15 of the KCNQ2 gene. It does not directly change the encoded amino acid sequence of the KCNQ2 protein. This variant is not present in population databases (gnomAD no frequency). This variant has been observed in individual(s) with clinical features of benign familial neonatal-infantile seizures (PMID: 29852413). ClinVar contains an entry for this variant (Variation ID: 2683550). Algorithms developed to predict the effect of sequence changes on RNA splicing suggest that this variant may create or strengthen a splice site. In summary, the available evidence is currently insufficient to determine the role of this variant in disease. Therefore, it has been classified as a Variant of Uncertain Significance.

Mayo Clinic Laboratories, Mayo Clinic
Classification: Uncertain significance. Last evaluated: 2023-01-03. Review status: criteria provided, single submitter. Criteria: ACMG Guidelines, 2015. Collection method: clinical testing. Allele origin: germline. Observed: 1 variant allele.
Comment: PP3, PM2, PM6_supporting

Literature cited by the submitters: PubMed 29852413 (cited by Labcorp Genetics (formerly Invitae), Labcorp and Mayo Clinic Laboratories, Mayo Clinic).

NM_172107.4(KCNQ2):c.1764-5G>A

Gene: KCNQ2 (potassium voltage-gated channel subfamily Q member 2; minus strand). Cytogenetic location: 20q13.33.
Variant type: single nucleotide variant.
Coding change: c.1764-5G>A on transcript NM_172107.4 (MANE Select); 5 bases into the intron before coding-DNA position 1764, G replaced by A.
Molecular consequence: intron variant.
Genome position (GRCh38, 1-based): chr20:63,408,541, C>T on the plus strand (G>A on the coding strand, the complement: KCNQ2 is on the minus strand). VCF-style: chr20-63408541-C-T. GRCh37 (hg19) VCF-style: chr20-62039894-C-T.
Other names: c.1680-5G>A (NM_004518.6); c.1671-5G>A (NM_172108.5); c.1710-5G>A (NM_172106.3); c.1818-5G>A (NM_001382235.1).
Identifiers: ClinVar variation 2683550 (VCV002683550.3), dbSNP rs1422829569, ClinGen allele CA636341063.